The following is an entry in ClinVar:

NM_003738.5(PTCH2):c.3433G>A (p.Ala1145Thr)

Gene: PTCH2 (patched 2; minus strand). Cytogenetic location: 1p34.1.
Variant type: single nucleotide variant.
Coding change: c.3433G>A on transcript NM_003738.5 (MANE Select); coding-DNA position 3433, G replaced by A.
Protein change: p.Ala1145Thr; replaces alanine 1145 with threonine.
Molecular consequence: missense variant. On other transcripts: intron variant (1).
Genome position (GRCh38, 1-based): chr1:44,822,594, C>T on the plus strand (G>A on the coding strand, the complement: PTCH2 is on the minus strand). VCF-style: chr1-44822594-C-T. GRCh37 (hg19) VCF-style: chr1-45288266-C-T.
Other names: c.3425+8G>A (NM_001166292.2); short protein forms A1145T.
Identifiers: ClinVar variation 2977899 (VCV002977899.3), dbSNP rs1256008544, ClinGen allele CA340105621.

ClinVar aggregate classification (germline): Uncertain significance (1 of 4 stars; one submission).

Conditions:
Gorlin syndrome. Also called: Nevoid Basal Cell Carcinoma Syndrome; Basal cell nevus syndrome. Identifiers: Orphanet 377, MedGen C0004779, MONDO:0007187.

Submission:

Labcorp Genetics (formerly Invitae), Labcorp
Classification: Uncertain significance for Gorlin syndrome. Last evaluated: 2023-09-03. Review status: criteria provided, single submitter. Criteria: Invitae Variant Classification Sherloc (09022015). Collection method: clinical testing. Allele origin: germline.
Comment: This sequence change replaces alanine, which is neutral and non-polar, with threonine, which is neutral and polar, at codon 1145 of the PTCH2 protein (p.Ala1145Thr). This variant is not present in population databases (gnomAD no frequency). This variant has not been reported in the literature in individuals affected with PTCH2-related conditions. An algorithm developed to predict the effect of missense changes on protein structure and function (PolyPhen-2) suggests that this variant is likely to be tolerated. In summary, the available evidence is currently insufficient to determine the role of this variant in disease. Therefore, it has been classified as a Variant of Uncertain Significance.